The following is an entry in ClinVar:

NM_172240.3(POC1B):c.260G>A (p.Trp87Ter)

Genes: POC1B (POC1 centriolar protein B; minus strand), POC1B-DUSP6 (POC1B-DUSP6 readthrough; minus strand). Cytogenetic location: 12q21.33.
Variant type: single nucleotide variant.
Coding change: c.260G>A on transcript NM_172240.3 (MANE Select); coding-DNA position 260, G replaced by A.
Protein change: p.Trp87Ter; replaces tryptophan 87 with a stop codon.
Molecular consequence: nonsense.
Genome position (GRCh38, 1-based): chr12:89,497,183, C>T on the plus strand (G>A on the coding strand, the complement: POC1B is on the minus strand). VCF-style: chr12-89497183-C-T. GRCh37 (hg19) VCF-style: chr12-89890960-C-T.
Other names: c.134G>A, p.Trp45Ter (NM_001199777.2); short protein forms W87*, W45*.
Identifiers: ClinVar variation 2796810 (VCV002796810.3), dbSNP rs1378426700, ClinGen allele CA385993230.

ClinVar aggregate classification (germline): Pathogenic (1 of 4 stars; one submission).

Allele frequency attached by ClinVar (database versions not stated): gnomAD exomes below 0.00001; TOPMed below 0.00001; gnomAD 0.00001.
gnomAD v4.1: 3 of 1,612,378 alleles (0.00019%); highest among the groups gnomAD compares: Admixed American, 0.0034%; no homozygotes.

Submission:

Labcorp Genetics (formerly Invitae), Labcorp
Classification: Pathogenic. Last evaluated: 2023-10-08. Review status: criteria provided, single submitter. Criteria: Invitae Variant Classification Sherloc (09022015). Collection method: clinical testing. Allele origin: germline.
Comment: This sequence change creates a premature translational stop signal (p.Trp87*) in the POC1B gene. It is expected to result in an absent or disrupted protein product. Loss-of-function variants in POC1B are known to be pathogenic (PMID: 25018096, 29220607). This variant is not present in population databases (gnomAD no frequency). This variant has not been reported in the literature in individuals affected with POC1B-related conditions. Algorithms developed to predict the effect of sequence changes on RNA splicing suggest that this variant may disrupt the consensus splice site. For these reasons, this variant has been classified as Pathogenic.

Literature cited by the submitters: PubMed 25018096; PubMed 29220607.